The following is an entry in ClinVar:

ClinVar aggregate classification (germline): Uncertain significance. Review status: criteria provided, multiple submitters, no conflicts (2 of 4 stars). 3 submissions from 3 submitters: Uncertain significance (3). Last evaluated 2025-11-03.

Conditions:
Immunodeficiency 35 (IMD35). Also called: HIES WITH ATYPICAL MYCOBACTERIOSIS, AUTOSOMAL RECESSIVE; HYPER-IgE SYNDROME WITH ATYPICAL MYCOBACTERIOSIS, AUTOSOMAL RECESSIVE; TYK2 DEFICIENCY; Susceptibility to infection due to TYK2 deficiency. Identifiers: Orphanet 331226, MedGen C1969086, MONDO:0012682, OMIM 611521.

Allele frequency attached by ClinVar (database versions not stated): gnomAD exomes 0.00002 and 0.00006; TOPMed 0.00002; gnomAD 0.00003; ExAC 0.00005.
gnomAD v4.1: 29 of 1,613,956 alleles (0.0018%); highest among the groups gnomAD compares: East Asian, 0.029%; no homozygotes.

Submissions (3):

Labcorp Genetics (formerly Invitae), Labcorp
Classification: Uncertain significance for Immunodeficiency 35. Last evaluated: 2025-11-03. Review status: criteria provided, single submitter. Criteria: Invitae Variant Classification Sherloc (09022015). Collection method: clinical testing. Allele origin: germline.
Comment: This sequence change replaces arginine, which is basic and polar, with histidine, which is basic and polar, at codon 607 of the TYK2 protein (p.Arg607His). This variant is present in population databases (rs759137101, gnomAD 0.05%). This variant has not been reported in the literature in individuals affected with TYK2-related conditions. ClinVar contains an entry for this variant (Variation ID: 836265). Invitae Evidence Modeling of protein sequence and biophysical properties (such as structural, functional, and spatial information, amino acid conservation, physicochemical variation, residue mobility, and thermodynamic stability) indicates that this missense variant is not expected to disrupt TYK2 protein function with a negative predictive value of 80%. In summary, the available evidence is currently insufficient to determine the role of this variant in disease. Therefore, it has been classified as a Variant of Uncertain Significance.

Blueprint Genetics
Classification: Uncertain significance. Last evaluated: 2024-03-12. Review status: criteria provided, single submitter. Criteria: ACMG Guidelines, 2015. Collection method: clinical testing. Allele origin: germline.

Fulgent Genetics
Classification: Uncertain significance for Immunodeficiency 35. Last evaluated: 2021-07-23. Review status: criteria provided, single submitter. Criteria: ACMG Guidelines, 2015. Collection method: clinical testing. Allele origin: unknown.

NM_003331.5(TYK2):c.1820G>A (p.Arg607His)

Gene: TYK2 (tyrosine kinase 2; minus strand). Cytogenetic location: 19p13.2.
Variant type: single nucleotide variant.
Coding change: c.1820G>A on transcript NM_003331.5 (MANE Select); coding-DNA position 1820, G replaced by A.
Protein change: p.Arg607His; replaces arginine 607 with histidine.
Molecular consequence: missense variant.
Genome position (GRCh38, 1-based): chr19:10,361,909, C>T on the plus strand (G>A on the coding strand, the complement: TYK2 is on the minus strand). VCF-style: chr19-10361909-C-T. GRCh37 (hg19) VCF-style: chr19-10472585-C-T.
Other names: short protein forms R607H.
Identifiers: ClinVar variation 836265 (VCV000836265.11), dbSNP rs759137101, ClinGen allele CA9193281.
Genomic context (GRCh38, chr19:10,361,909, plus strand): 5'-AGGGGGTCCTCGTCATCCATCTTGCCCTCCTCAGGGTCCCCGCTGCCCTCCACTCGCAGG[C>T]GGCCCTCATACACGTTGGTCCTTGTGCCCTGGCCCAAGTGGGACAGCTGCGGGATCATGT-3'
Protein context (NP_003322.3, residues 597-617): QGTRTNVYEG[Arg607His]LRVEGSGDPE